The following is an entry in ClinVar:

ClinVar aggregate classification (germline): Likely benign (1 of 4 stars; one submission).

Allele frequency attached by ClinVar (database versions not stated): ESP Exome Variant Server 0.00008; gnomAD exomes 0.00025; gnomAD 0.00027; TOPMed 0.00031; ExAC 0.00104; 1000 Genomes Project 30x 0.00109; 1000 Genomes Project 0.00140.
gnomAD v4.1: 402 of 1,599,454 alleles (0.025%); highest among the groups gnomAD compares: South Asian, 0.15%; 1 homozygote.

Submission:

CeGaT Center for Human Genetics Tuebingen
Classification: Likely benign. Last evaluated: 2022-07-01. Review status: criteria provided, single submitter. Criteria: CeGaT Center For Human Genetics Tuebingen Variant Classification Criteria Version 2. Collection method: clinical testing. Allele origin: germline. Affected: yes. Observed: 1 variant allele.
Comment: TOM1: BP4, BP7

NM_005488.3(TOM1):c.1179C>T (p.Asp393=)

Gene: TOM1 (target of myb1 membrane trafficking protein; plus strand). Cytogenetic location: 22q12.3.
Variant type: single nucleotide variant.
Coding change: c.1179C>T on transcript NM_005488.3 (MANE Select); coding-DNA position 1179, C replaced by T.
Protein change: p.Asp393=; no amino-acid change (aspartic acid 393 retained).
Molecular consequence: synonymous variant. On other transcripts: non-coding transcript variant (3).
Genome position (GRCh38, 1-based): chr22:35,338,743, C>T. VCF-style: chr22-35338743-C-T. GRCh37 (hg19) VCF-style: chr22-35734736-C-T.
Other names: c.1080C>T, p.Asp360= (NM_001135729.2); c.1044C>T, p.Asp348= (NM_001135730.2); c.1179C>T, p.Asp393= (NM_001135732.2).
Identifiers: ClinVar variation 2653090 (VCV002653090.24), dbSNP rs199955093, ClinGen allele CA10204429.